The following is an entry in ClinVar:

NM_012434.5(SLC17A5):c.1316T>C (p.Val439Ala)

Gene: SLC17A5 (solute carrier family 17 member 5; minus strand). Cytogenetic location: 6q13.
Variant type: single nucleotide variant.
Coding change: c.1316T>C on transcript NM_012434.5 (MANE Select); coding-DNA position 1316, T replaced by C.
Protein change: p.Val439Ala; replaces valine 439 with alanine.
Molecular consequence: missense variant. On other transcripts: intron variant (1).
Genome position (GRCh38, 1-based): chr6:73,600,385, A>G on the plus strand (T>C on the coding strand, the complement: SLC17A5 is on the minus strand). VCF-style: chr6-73600385-A-G. GRCh37 (hg19) VCF-style: chr6-74310108-A-G.
Other names: c.1085T>C, p.Val362Ala (NM_001382629.1); c.1337T>C, p.Val446Ala (NM_001382631.1); c.1229T>C, p.Val410Ala (NM_001382632.1); c.1316T>C, p.Val439Ala (NM_001382633.1); c.1157T>C, p.Val386Ala (NM_001382634.1); c.1313T>C, p.Val438Ala (NM_001382635.1); c.998T>C, p.Val333Ala (NM_001382636.1); c.1260-5171T>C (NM_001382630.1); and 1 more; short protein forms V439A, V333A, V386A, V362A, V410A, V438A, V446A.
Identifiers: ClinVar variation 1492082 (VCV001492082.8), dbSNP rs573439155, ClinGen allele CA3890293.
Genomic context (GRCh38, chr6:73,600,385, plus strand): 5'-AGTTTACAAGTAAATTATCTACTTACATCAGGGGTCAGACTTTTAGCAATGACGGGCCCA[A>G]CCATTCCTGGAATAGTGGCAAATGTATTTGTGATGCCCAGGAGGATACCAGCATACCTGT-3'
Protein context (NP_036566.1, residues 429-449): TNTFATIPGM[Val439Ala]GPVIAKSLTP

ClinVar aggregate classification (germline): Uncertain significance. Review status: criteria provided, multiple submitters, no conflicts (2 of 4 stars). 3 submissions from 3 submitters: Uncertain significance (3). Last evaluated 2024-05-21.

Conditions:
Inborn genetic diseases. Identifiers: MedGen C0950123, MeSH D030342.
Salla disease (SD). Also called: Sialuria, Finnish type; N-acetylneuraminic acid (NANA) storage disease (NSD); Infantile sialic acid storage disorder (ISSD); Less Severe FSASD (Salla Disease). Identifiers: Orphanet 309334, Orphanet 834, MedGen C1096903, MONDO:0011449, OMIM 604369.
Sialic acid storage disease, severe infantile type (ISSD). Also called: INFANTILE SIALIC ACID STORAGE DISORDER; N-ACETYLNEURAMINIC ACID STORAGE DISEASE; NANA STORAGE DISEASE; SIALURIA, INFANTILE FORM; Infantile Sialic Acid Storage Disease; Free sialic acid storage disease, infantile form. Identifiers: Orphanet 309324, Orphanet 834, MedGen C1096902, MONDO:0010027, OMIM 269920.

Allele frequency attached by ClinVar (database versions not stated): TOPMed 0.00006; gnomAD 0.00007; 1000 Genomes Project 30x 0.00016; 1000 Genomes Project 0.00020.
gnomAD v4.1: 27 of 1,614,162 alleles (0.0017%); highest among the groups gnomAD compares: African/African-American, 0.031%; no homozygotes.

Submissions (3):

Labcorp Genetics (formerly Invitae), Labcorp
Classification: Uncertain significance for Salla disease. Last evaluated: 2024-05-21. Review status: criteria provided, single submitter. Criteria: Invitae Variant Classification Sherloc (09022015). Collection method: clinical testing. Allele origin: germline.
Comment: This sequence change replaces valine, which is neutral and non-polar, with alanine, which is neutral and non-polar, at codon 439 of the SLC17A5 protein (p.Val439Ala). This variant is present in population databases (rs573439155, gnomAD 0.04%). This variant has not been reported in the literature in individuals affected with SLC17A5-related conditions. ClinVar contains an entry for this variant (Variation ID: 1492082). Advanced modeling of protein sequence and biophysical properties (such as structural, functional, and spatial information, amino acid conservation, physicochemical variation, residue mobility, and thermodynamic stability) performed at Invitae indicates that this missense variant is not expected to disrupt SLC17A5 protein function with a negative predictive value of 80%. In summary, the available evidence is currently insufficient to determine the role of this variant in disease. Therefore, it has been classified as a Variant of Uncertain Significance.

Fulgent Genetics
Classification: Uncertain significance for Sialic acid storage disease, severe infantile type; Salla disease. Last evaluated: 2024-03-25. Review status: criteria provided, single submitter. Criteria: ACMG Guidelines, 2015. Collection method: clinical testing. Allele origin: germline.

Ambry Genetics
Classification: Uncertain significance for Inborn genetic diseases. Last evaluated: 2022-01-10. Review status: criteria provided, single submitter. Criteria: Ambry Variant Classification Scheme 2023. Collection method: clinical testing. Allele origin: germline.